The following is an entry in ClinVar:

NM_003172.4(SURF1):c.55-4G>C

Genes: SURF1 (SURF1 cytochrome c oxidase assembly factor; minus strand), LOC130002899 (ATAC-STARR-seq lymphoblastoid silent region 20452; plus strand). Cytogenetic location: 9q34.2.
Variant type: single nucleotide variant.
Coding change: c.55-4G>C on transcript NM_003172.4 (MANE Select); 4 bases into the intron before coding-DNA position 55, G replaced by C.
Molecular consequence: intron variant.
Genome position (GRCh38, 1-based): chr9:133,356,324, C>G on the plus strand (G>C on the coding strand, the complement: SURF1 is on the minus strand). VCF-style: chr9-133356324-C-G. GRCh37 (hg19) VCF-style: chr9-136223179-C-G.
Other names: c.55-4G>C (NM_003172.2); c.-222+76G>C (NM_001280787.1).
Identifiers: ClinVar variation 1097645 (VCV001097645.11), dbSNP rs927604495, ClinGen allele CA200834056.
Genomic context (GRCh38, chr9:133,356,324, plus strand): 5'-CTCACCTGGGCGCGGGGAGACCCTGAGGACGCTCCTCCAGGCGGCGCTGGCCGGGGCCTG[C>G]GGACACGGACGGGCGGGCTGAGCTCCGGGACCCCTCCCCGCGCCCCGCACCCCGCACCCC-3'

ClinVar aggregate classification (germline): Conflicting classifications of pathogenicity. Review status: criteria provided, conflicting classifications (1 of 4 stars). 3 submissions from 3 submitters: Uncertain significance (1); Likely benign (2). Last evaluated 2026-01-14.

Conditions:
Leigh syndrome (NULS). Also called: LEIGH SYNDROME, NUCLEAR; Leigh's necrotizing encephalopathy; Leigh's disease; Leigh Syndrome (mtDNA deletion); Leigh Disease; Subacute necrotizing encephalopathy. Identifiers: Orphanet 506, MedGen C2931891, MONDO:0009723, OMIM 256000.
Inborn genetic diseases. Identifiers: MedGen C0950123, MeSH D030342.

gnomAD v4.1: 110 of 1,514,186 alleles (0.0073%); highest among the groups gnomAD compares: Admixed American, 0.032%; no homozygotes.

Submissions (3):

Labcorp Genetics (formerly Invitae), Labcorp
Classification: Likely benign for Leigh syndrome. Last evaluated: 2026-01-14. Review status: criteria provided, single submitter. Criteria: Invitae Variant Classification Sherloc (09022015). Collection method: clinical testing. Allele origin: germline.

Blueprint Genetics
Classification: Likely benign. Last evaluated: 2024-09-14. Review status: criteria provided, single submitter. Criteria: ACMG Guidelines, 2015. Collection method: clinical testing. Allele origin: germline.

Ambry Genetics
Classification: Uncertain significance for Inborn genetic diseases. Last evaluated: 2023-04-25. Review status: criteria provided, single submitter. Criteria: Ambry Variant Classification Scheme 2023. Collection method: clinical testing. Allele origin: germline.
Comment: The c.55-4G>C intronic alteration consists of a G to C substitution 4 nucleotides before coding exon 2 in the SURF1 gene. Based on insufficient or conflicting evidence, the clinical significance of this alteration remains unclear.